The following is an entry in ClinVar:

ClinVar aggregate classification (germline): Uncertain significance (1 of 4 stars; one submission).

Allele frequency attached by ClinVar (database versions not stated): gnomAD exomes below 0.00001 and 0.00001; ExAC 0.00001; gnomAD 0.00001; TOPMed 0.00001.
gnomAD v4.1: 10 of 1,610,864 alleles (0.00062%); highest among the groups gnomAD compares: African/African-American, 0.0013%; no homozygotes.

Submission:

Labcorp Genetics (formerly Invitae), Labcorp
Classification: Uncertain significance. Last evaluated: 2022-02-02. Review status: criteria provided, single submitter. Criteria: Invitae Variant Classification Sherloc (09022015). Collection method: clinical testing. Allele origin: germline.
Comment: In summary, the available evidence is currently insufficient to determine the role of this variant in disease. Therefore, it has been classified as a Variant of Uncertain Significance. Algorithms developed to predict the effect of missense changes on protein structure and function output the following: SIFT: "Tolerated"; PolyPhen-2: "Benign"; Align-GVGD: "Class C0". The glutamine amino acid residue is found in multiple mammalian species, which suggests that this missense change does not adversely affect protein function. This variant has not been reported in the literature in individuals affected with IDH3A-related conditions. This variant is not present in population databases (gnomAD no frequency). This sequence change replaces arginine, which is basic and polar, with glutamine, which is neutral and polar, at codon 12 of the IDH3A protein (p.Arg12Gln).

NM_005530.3(IDH3A):c.35G>A (p.Arg12Gln)

Gene: IDH3A (isocitrate dehydrogenase (NAD(+)) 3 catalytic subunit alpha; plus strand). Cytogenetic location: 15q25.1.
Variant type: single nucleotide variant.
Coding change: c.35G>A on transcript NM_005530.3 (MANE Select); coding-DNA position 35, G replaced by A.
Protein change: p.Arg12Gln; replaces arginine 12 with glutamine.
Molecular consequence: missense variant.
Genome position (GRCh38, 1-based): chr15:78,155,220, G>A. VCF-style: chr15-78155220-G-A. GRCh37 (hg19) VCF-style: chr15-78447562-G-A.
Other names: short protein forms R12Q.
Identifiers: ClinVar variation 1378549 (VCV001378549.8), dbSNP rs766903515, ClinGen allele CA7680455.
Genomic context (GRCh38, chr15:78,155,220, plus strand): 5'-ACTGTATGTGGTTTAATTCTGTGTGTGATATTTCTCTGTTGATATTAATATAGGTCTCTC[G>A]GCTGCTGGGGGCATTCCACAACCCAAAACAGGTGACCAGAGGTTTTACTGGTGGTGTGAG-3'
Protein context (NP_005521.1, residues 2-22): AGPAWISKVS[Arg12Gln]LLGAFHNPKQ